The following is an entry in ClinVar:

ClinVar aggregate classification (germline): Uncertain significance. Review status: criteria provided, multiple submitters, no conflicts (2 of 4 stars). 4 submissions from 4 submitters: Uncertain significance (4). Last evaluated 2026-03-05.

Conditions:
BICD2-related disorder. Also called: BICD2-related condition.
Autosomal dominant childhood-onset proximal spinal muscular atrophy with contractures (SMALED2A). Also called: SPINAL MUSCULAR ATROPHY, LOWER EXTREMITY-PREDOMINANT, 2A, CHILDHOOD ONSET, AUTOSOMAL DOMINANT; Spinal muscular atrophy, lower extremity-predominant, 2A, autosomal dominant. Identifiers: Orphanet 363447, Orphanet 363454, MedGen C4747715, MONDO:0014121, OMIM 615290.

Allele frequency attached by ClinVar (database versions not stated): gnomAD 0.00001; gnomAD exomes 0.00001; TOPMed 0.00001; ExAC 0.00002.
gnomAD v4.1: 15 of 1,614,074 alleles (0.00093%); highest among the groups gnomAD compares: Non-Finnish European, 0.0013%; no homozygotes.

Submissions (4):

PreventionGenetics, part of Exact Sciences
Classification: Uncertain significance for BICD2-related condition. Last evaluated: 2026-03-05. Review status: criteria provided, single submitter. Criteria: ACMG Guidelines, 2015. Collection method: clinical testing. Allele origin: germline.
Comment: The BICD2 c.295C>T variant is predicted to result in the amino acid substitution p.Arg99Trp. To our knowledge, this variant has not been reported in the literature. This variant is reported in 0.0018% of alleles in individuals of European (non-Finnish) descent in gnomAD. At this time, the clinical significance of this variant is uncertain due to the absence of conclusive functional and genetic evidence.

Blueprint Genetics
Classification: Uncertain significance. Last evaluated: 2024-04-10. Review status: criteria provided, single submitter. Criteria: ACMG Guidelines, 2015. Collection method: clinical testing. Allele origin: germline.

Revvity Omics, Revvity
Classification: Uncertain significance. Last evaluated: 2021-11-29. Review status: criteria provided, single submitter. Criteria: ACMG Guidelines, 2015. Collection method: clinical testing. Allele origin: germline.

Labcorp Genetics (formerly Invitae), Labcorp
Classification: Uncertain significance for Autosomal dominant childhood-onset proximal spinal muscular atrophy with contractures. Last evaluated: 2020-12-14. Review status: criteria provided, single submitter. Criteria: Invitae Variant Classification Sherloc (09022015). Collection method: clinical testing. Allele origin: germline.
Comment: This sequence change replaces arginine with tryptophan at codon 99 of the BICD2 protein (p.Arg99Trp). The arginine residue is moderately conserved and there is a moderate physicochemical difference between arginine and tryptophan. In summary, the available evidence is currently insufficient to determine the role of this variant in disease. Therefore, it has been classified as a Variant of Uncertain Significance. Algorithms developed to predict the effect of missense changes on protein structure and function are either unavailable or do not agree on the potential impact of this missense change (SIFT: "Deleterious"; PolyPhen-2: "Probably Damaging"; Align-GVGD: "Class C0"). This variant has not been reported in the literature in individuals with BICD2-related conditions. This variant is present in population databases (rs751756270, ExAC 0.003%).

NM_001003800.2(BICD2):c.295C>T (p.Arg99Trp)

Gene: BICD2 (BICD cargo adaptor 2; minus strand). Cytogenetic location: 9q22.31.
Variant type: single nucleotide variant.
Coding change: c.295C>T on transcript NM_001003800.2 (MANE Select); coding-DNA position 295, C replaced by T.
Protein change: p.Arg99Trp; replaces arginine 99 with tryptophan.
Molecular consequence: missense variant.
Genome position (GRCh38, 1-based): chr9:92,729,182, G>A on the plus strand (C>T on the coding strand, the complement: BICD2 is on the minus strand). VCF-style: chr9-92729182-G-A. GRCh37 (hg19) VCF-style: chr9-95491464-G-A.
Other names: c.295C>T (NM_001003800.1); c.295C>T, p.Arg99Trp (NM_015250.4); short protein forms R99W.
Identifiers: ClinVar variation 1386187 (VCV001386187.12), dbSNP rs751756270, ClinGen allele CA5126847.